The following is an entry in ClinVar:

ClinVar aggregate classification (germline): Likely benign (1 of 4 stars; one submission).

Allele frequency attached by ClinVar (database versions not stated): gnomAD exomes below 0.00001.
gnomAD v4.1: 2 of 1,613,296 alleles (0.00012%); highest among the groups gnomAD compares: Non-Finnish European, 0.00017%; no homozygotes.

Submission:

GeneDx
Classification: Likely benign. Last evaluated: 2018-01-31. Review status: criteria provided, single submitter. Criteria: GeneDx Variant Classification (06012015). Collection method: clinical testing. Allele origin: germline. Affected: yes.
Comment: This variant is considered likely benign or benign based on one or more of the following criteria: it is a conservative change, it occurs at a poorly conserved position in the protein, it is predicted to be benign by multiple in silico algorithms, and/or has population frequency not consistent with disease.

NM_001267550.2(TTN):c.57449T>C (p.Ile19150Thr)

Genes: TTN (titin; minus strand), TTN-AS1 (TTN antisense RNA 1; plus strand). Cytogenetic location: 2q31.2.
Variant type: single nucleotide variant.
Coding change: c.57449T>C on transcript NM_001267550.2 (MANE Select); coding-DNA position 57449, T replaced by C.
Protein change: p.Ile19150Thr; replaces isoleucine 19150 with threonine.
Molecular consequence: missense variant. On other transcripts: non-coding transcript variant (2).
Genome position (GRCh38, 1-based): chr2:178,597,633, A>G on the plus strand (T>C on the coding strand, the complement: TTN is on the minus strand). VCF-style: chr2-178597633-A-G. GRCh37 (hg19) VCF-style: chr2-179462360-A-G.
Other names: c.52526T>C, p.Ile17509Thr (NM_001256850.1); c.30254T>C, p.Ile10085Thr (NM_003319.4); c.49745T>C, p.Ile16582Thr (NM_133378.4); c.30629T>C, p.Ile10210Thr (NM_133432.3); c.30830T>C, p.Ile10277Thr (NM_133437.4); short protein forms I17509T, I19150T, I10085T, I10210T, I16582T, I10277T.
Identifiers: ClinVar variation 515246 (VCV000515246.1), dbSNP rs1553659483, ClinGen allele CA349520494.